The following is an entry in ClinVar:

NM_003190.5(TAPBP):c.949G>A (p.Val317Met)

Gene: TAPBP (TAP binding protein; minus strand). Cytogenetic location: 6p21.32.
Variant type: single nucleotide variant.
Coding change: c.949G>A on transcript NM_003190.5 (MANE Select); coding-DNA position 949, G replaced by A.
Protein change: p.Val317Met; replaces valine 317 with methionine.
Molecular consequence: missense variant.
Genome position (GRCh38, 1-based): chr6:33,304,558, C>T on the plus strand (G>A on the coding strand, the complement: TAPBP is on the minus strand). VCF-style: chr6-33304558-C-T. GRCh37 (hg19) VCF-style: chr6-33272335-C-T.
Other names: c.949G>A, p.Val317Met (NM_001410875.1, NM_172208.3); c.688G>A, p.Val230Met (NM_172209.3); short protein forms V230M, V317M.
Identifiers: ClinVar variation 2796714 (VCV002796714.3), dbSNP rs1338891803, ClinGen allele CA363689456.
Genomic context (GRCh38, chr6:33,304,558, plus strand): 5'-CTGGGCCACCCCGGAGTTCCCACTCCACCTCCAGGCCCCCAGAAGGGTAGAAGTGGGACA[C>T]AAGGCAGAGCAATTCCGGGGGTGCCTCCCCTGGGGCGGCCCGTGCAAGGGTTGCTGGCAT-3'
Protein context (NP_003181.3, residues 307-327): GEAPPELLCL[Val317Met]SHFYPSGGLE

ClinVar aggregate classification (germline): Uncertain significance (1 of 4 stars; one submission).

Conditions:
MHC class I deficiency. Identifiers: Orphanet 34592, MedGen C6024714, MONDO:0011476.

Allele frequency attached by ClinVar (database versions not stated): gnomAD exomes below 0.00001.
gnomAD v4.1: 3 of 1,608,550 alleles (0.00019%); highest among the groups gnomAD compares: Admixed American, 0.0017%; no homozygotes.

Submission:

Labcorp Genetics (formerly Invitae), Labcorp
Classification: Uncertain significance for MHC class I deficiency 1. Last evaluated: 2023-09-27. Review status: criteria provided, single submitter. Criteria: Invitae Variant Classification Sherloc (09022015). Collection method: clinical testing. Allele origin: germline.
Comment: In summary, the available evidence is currently insufficient to determine the role of this variant in disease. Therefore, it has been classified as a Variant of Uncertain Significance. This sequence change replaces valine, which is neutral and non-polar, with methionine, which is neutral and non-polar, at codon 317 of the TAPBP protein (p.Val317Met). This variant is present in population databases (no rsID available, gnomAD 0.003%). This variant has not been reported in the literature in individuals affected with TAPBP-related conditions. An algorithm developed to predict the effect of missense changes on protein structure and function (PolyPhen-2) suggests that this variant is likely to be disruptive.